The following is an entry in ClinVar:

NM_015909.4(NBAS):c.5356C>T (p.Arg1786Ter)

Gene: NBAS (NBAS subunit of NRZ tethering complex; minus strand). Cytogenetic location: 2p24.3.
Variant type: single nucleotide variant.
Coding change: c.5356C>T on transcript NM_015909.4 (MANE Select); coding-DNA position 5356, C replaced by T.
Protein change: p.Arg1786Ter; replaces arginine 1786 with a stop codon.
Molecular consequence: nonsense. On other transcripts: non-coding transcript variant (1).
Genome position (GRCh38, 1-based): chr2:15,276,884, G>A on the plus strand (C>T on the coding strand, the complement: NBAS is on the minus strand). VCF-style: chr2-15276884-G-A. GRCh37 (hg19) VCF-style: chr2-15417008-G-A.
Other names: c.5356C>T (NM_015909.3); short protein forms R1786*.
Identifiers: ClinVar variation 2682590 (VCV002682590.6), dbSNP rs556229592, ClinGen allele CA1535321.

ClinVar aggregate classification (germline): Pathogenic/Likely pathogenic. Review status: criteria provided, multiple submitters, no conflicts (2 of 4 stars). 4 submissions from 4 submitters: Pathogenic (3); Likely pathogenic (1). Last evaluated 2025-12-09.

Conditions:
Infantile liver failure syndrome 2 (ILFS2). Identifiers: MedGen C3809651, MONDO:0014659, OMIM 616483.
Short stature-optic atrophy-Pelger-Huët anomaly syndrome. Also called: Short stature, optic nerve atrophy, and Pelger-Huet anomaly; Short stature-optic atrophy-Pelger-HuC+t anomaly syndrome. Identifiers: Orphanet 391677, MedGen C3541319, MONDO:0013889, OMIM 614800.
Acute infantile liver failure due to synthesis defect of mtDNA-encoded proteins. Also called: LIVER FAILURE, INFANTILE, TRANSIENT; Liver failure acute infantile; TRMU Deficiency. Identifiers: Orphanet 217371, MedGen C3278664, MONDO:0013111, OMIM 613070.
NBAS-related disorder. Also called: NBAS-related condition.

Allele frequency attached by ClinVar (database versions not stated): ExAC 0.00003; gnomAD 0.00004; 1000 Genomes Project 30x 0.00016; 1000 Genomes Project 0.00020.
gnomAD v4.1: 25 of 1,614,002 alleles (0.0015%); highest among the groups gnomAD compares: Middle Eastern, 0.016%; no homozygotes.

Submissions (4):

Clinical Genomics Laboratory, Washington University in St. Louis
Classification: Pathogenic for Infantile liver failure syndrome 2; Short stature-optic atrophy-Pelger-Huët anomaly syndrome. Last evaluated: 2025-12-09. Review status: criteria provided, single submitter. Criteria: ACMG Guidelines, 2015. Collection method: clinical testing. Allele origin: germline. Affected: yes.
Comment: The NBAS c.5356C>T (p.Arg1786*) variant, to our knowledge, has not been reported in the medical literature but is reported in the ClinVar database as a germline pathogenic variant by two submitters. This variant causes a premature termination codon, which is predicted to lead to nonsense-mediated decay. This variant is only observed on 25/1,614,002 alleles in the general population (gnomAD v4.1.0), indicating it is not a common variant. Based on available information and the ACMG/AMP guidelines for variant interpretation (Richards S et al., PMID: 25741868), this variant is classified as pathogenic.

PreventionGenetics, part of Exact Sciences
Classification: Likely pathogenic for NBAS-related condition. Last evaluated: 2025-03-29. Review status: criteria provided, single submitter. Criteria: ACMG Guidelines, 2015. Collection method: clinical testing. Allele origin: germline.
Comment: The NBAS c.5356C>T variant is predicted to result in premature protein termination (p.Arg1786*). To our knowledge, this variant has not been reported in the literature in patients affected with NBAS-related disorders. This variant is reported in 0.0047% of alleles in individuals of European (Non-Finnish) descent in gnomAD. Nonsense variants in NBAS are expected to be pathogenic. This variant is interpreted as likely pathogenic.

Labcorp Genetics (formerly Invitae), Labcorp
Classification: Pathogenic. Last evaluated: 2023-11-09. Review status: criteria provided, single submitter. Criteria: Invitae Variant Classification Sherloc (09022015). Collection method: clinical testing. Allele origin: germline.
Comment: This sequence change creates a premature translational stop signal (p.Arg1786*) in the NBAS gene. It is expected to result in an absent or disrupted protein product. Loss-of-function variants in NBAS are known to be pathogenic (PMID: 26073778, 26541327, 27789416, 28031453). This variant is present in population databases (rs556229592, gnomAD 0.005%). This variant has not been reported in the literature in individuals affected with NBAS-related conditions. For these reasons, this variant has been classified as Pathogenic.

Women's Health and Genetics/Laboratory Corporation of America, LabCorp
Classification: Pathogenic for Acute infantile liver failure due to synthesis defect of mtDNA-encoded proteins. Last evaluated: 2023-11-02. Review status: criteria provided, single submitter. Criteria: LabCorp Variant Classification Summary - May 2015. Collection method: clinical testing. Allele origin: germline.
Comment: Variant summary: NBAS c.5356C>T (p.Arg1786X) results in a premature termination codon, predicted to cause a truncation of the encoded protein or absence of the protein due to nonsense mediated decay, which are commonly known mechanisms for disease. The variant allele was found at a frequency of 2e-05 in 251146 control chromosomes (gnomAD). To our knowledge, no occurrence of c.5356C>T in individuals affected with Liver Failure Acute Infantile, Type 2 and no experimental evidence demonstrating its impact on protein function have been reported. No submitters have cited clinical-significance assessments for this variant to ClinVar after 2014. Based on the evidence outlined above, the variant was classified as pathogenic.

Literature cited by the submitters: PubMed 26073778 (cited by Labcorp Genetics (formerly Invitae), Labcorp); PubMed 26541327 (cited by Labcorp Genetics (formerly Invitae), Labcorp); PubMed 27789416 (cited by Labcorp Genetics (formerly Invitae), Labcorp); PubMed 28031453 (cited by Labcorp Genetics (formerly Invitae), Labcorp).